The following is an entry in ClinVar:

ClinVar aggregate classification (germline): Conflicting classifications of pathogenicity. Review status: criteria provided, conflicting classifications (1 of 4 stars). 2 submissions from 2 submitters: Uncertain significance (1); Benign (1). Last evaluated 2026-06-08.

Conditions:
Pheochromocytoma. Also called: MAX-Related Hereditary Paraganglioma-Pheochromocytoma Syndrome. Identifiers: Orphanet 29072, MedGen C0031511, MONDO:0008233, OMIM 171300, HP:0002666.

gnomAD v4.1: 9 of 1,612,928 alleles (0.00056%); highest among the groups gnomAD compares: Admixed American, 0.005%; no homozygotes.

Submissions (2):

Myriad Genetics, Inc.
Classification: Benign for Pheochromocytoma. Last evaluated: 2026-06-08. Review status: criteria provided, single submitter. Criteria: Myriad Autosomal Dominant, Autosomal Recessive and X-Linked Classification Criteria (2023). Collection method: clinical testing. Allele origin: unknown.
Comment: This variant is considered benign. This variant occurs in the non-coding 3' untranslated region of the gene, and is not expected to impact protein function.

Quest Diagnostics Nichols Institute San Juan Capistrano
Classification: Uncertain significance. Last evaluated: 2025-03-22. Review status: criteria provided, single submitter. Criteria: Quest Diagnostics criteria. Collection method: clinical testing. Allele origin: unknown.
Comment: The MAX c.*8G>A variant has not been reported in individuals with MAX-related conditions in the published literature. The frequency of this variant in the general population (Genome Aggregation Database) is uninformative in the assessment of its pathogenicity. Based on the available information, we are unable to determine the clinical significance of this variant.

NM_002382.5(MAX):c.*8G>A

Gene: MAX (MYC associated transcriptional regulator X; minus strand). Cytogenetic location: 14q23.3.
Variant type: single nucleotide variant.
Coding change: c.*8G>A on transcript NM_002382.5 (MANE Select); 8 bases downstream of the stop codon, G replaced by A.
Molecular consequence: 3 prime UTR variant. On other transcripts: non-coding transcript variant (7), intron variant (2).
Genome position (GRCh38, 1-based): chr14:65,076,468, C>T on the plus strand (G>A on the coding strand, the complement: MAX is on the minus strand). VCF-style: chr14-65076468-C-T. GRCh37 (hg19) VCF-style: chr14-65543186-C-T.
Other names: c.*8G>A (NM_001320415.2, NM_001407094.1, NM_001407095.1 and 7 more transcripts); c.*264G>A (NM_001407096.1, NM_001407099.1, NM_001407102.1 and 2 more transcripts); c.*280G>A (NM_001407097.1, NM_001407100.1, NM_001407101.1 and 4 more transcripts); c.144+17240G>A (NM_001271069.2); c.171+17240G>A (NM_197957.4).
Identifiers: ClinVar variation 3572208 (VCV003572208.3).